The following is an entry in ClinVar:

ClinVar aggregate classification (germline): Pathogenic (1 of 4 stars; one submission).

Conditions:
Maple syrup urine disease (MSUD). Identifiers: Orphanet 511, MedGen C0024776, MeSH D008375, MONDO:0009563. Disease mechanism: loss of function.

Submission:

Labcorp Genetics (formerly Invitae), Labcorp
Classification: Pathogenic for Maple syrup urine disease. Last evaluated: 2021-03-09. Review status: criteria provided, single submitter. Criteria: Invitae Variant Classification Sherloc (09022015). Collection method: clinical testing. Allele origin: germline.
Comment: For these reasons, this variant has been classified as Pathogenic. This variant has not been reported in the literature in individuals with BCKDHA-related conditions. This variant is not present in population databases (ExAC no frequency). This sequence change creates a premature translational stop signal (p.Ser343*) in the BCKDHA gene. It is expected to result in an absent or disrupted protein product. Loss-of-function variants in BCKDHA are known to be pathogenic (PMID: 16786533, 22593002).

Literature cited by the submitters: PubMed 16786533; PubMed 22593002.

NM_000709.4(BCKDHA):c.1028C>G (p.Ser343Ter)

Gene: BCKDHA (branched chain keto acid dehydrogenase E1 subunit alpha; plus strand). Cytogenetic location: 19q13.2.
Variant type: single nucleotide variant.
Coding change: c.1028C>G on transcript NM_000709.4 (MANE Select); coding-DNA position 1028, C replaced by G.
Protein change: p.Ser343Ter; replaces serine 343 with a stop codon.
Molecular consequence: nonsense.
Genome position (GRCh38, 1-based): chr19:41,423,030, C>G. VCF-style: chr19-41423030-C-G. GRCh37 (hg19) VCF-style: chr19-41928935-C-G.
Other names: c.1025C>G, p.Ser342Ter (NM_001164783.2); short protein forms S343*, S342*.
Identifiers: ClinVar variation 1395580 (VCV001395580.6), dbSNP rs774735002, ClinGen allele CA406013814.
Genomic context (GRCh38, chr19:41,423,030, plus strand): 5'-TGACCTGGGGCCCCTTGCCCCTGTGCAGGATCGGGCACCACAGCACCAGTGACGACAGTT[C>G]AGCGTACCGCTCGGTGGATGAGGTCAATTACTGGGATAAACAGGACCACCCCATCTCCCG-3'